The following is an entry in ClinVar:

NM_007215.4(POLG2):c.912G>T (p.Trp304Cys)

Genes: MILR1 (mast cell immunoglobulin like receptor 1; plus strand), POLG2 (DNA polymerase gamma 2, accessory subunit; minus strand). Cytogenetic location: 17q23.3.
Variant type: single nucleotide variant.
Coding change: c.912G>T on transcript NM_007215.4 (MANE Select); coding-DNA position 912, G replaced by T.
Protein change: p.Trp304Cys; replaces tryptophan 304 with cysteine.
Molecular consequence: missense variant.
Genome position (GRCh38, 1-based): chr17:64,490,853, C>A on the plus strand (G>T on the coding strand, the complement: POLG2 is on the minus strand). VCF-style: chr17-64490853-C-A. GRCh37 (hg19) VCF-style: chr17-62486970-C-A.
Other names: short protein forms W304C.
Identifiers: ClinVar variation 3676087 (VCV003676087.2).

ClinVar aggregate classification (germline): Uncertain significance (1 of 4 stars; one submission).

gnomAD v4.1: 1 of 1,613,694 alleles (0.000062%); highest among the groups gnomAD compares: Admixed American, 0.0017%; no homozygotes.

Submission:

Labcorp Genetics (formerly Invitae), Labcorp
Classification: Uncertain significance. Last evaluated: 2024-03-07. Review status: criteria provided, single submitter. Criteria: Invitae Variant Classification Sherloc (09022015). Collection method: clinical testing. Allele origin: germline.
Comment: This sequence change replaces tryptophan, which is neutral and slightly polar, with cysteine, which is neutral and slightly polar, at codon 304 of the POLG2 protein (p.Trp304Cys). This variant is present in population databases (no rsID available, gnomAD 0.007%). This variant has not been reported in the literature in individuals affected with POLG2-related conditions. An algorithm developed to predict the effect of missense changes on protein structure and function (PolyPhen-2) suggests that this variant is likely to be disruptive. In summary, the available evidence is currently insufficient to determine the role of this variant in disease. Therefore, it has been classified as a Variant of Uncertain Significance.